The following is an entry in ClinVar:

ClinVar aggregate classification (germline): Likely pathogenic (1 of 4 stars; one submission).

Conditions:
Intellectual disability-facial dysmorphism syndrome due to SETD5 haploinsufficiency (MRD23). Also called: Intellectual developmental disorder, autosomal dominant 23. Identifiers: Orphanet 404440, MedGen C3810406, MONDO:0014336, OMIM 615761.

Submission:

MGZ Medical Genetics Center
Classification: Likely pathogenic for Intellectual disability-facial dysmorphism syndrome due to SETD5 haploinsufficiency. Last evaluated: 2022-08-26. Review status: criteria provided, single submitter. Criteria: ACMG Guidelines, 2015. Collection method: clinical testing. Allele origin: germline. Affected: yes. Observed: 1 variant allele.
Comment: ACMG criteria applied: PVS1, PM2_SUP

NM_001080517.3(SETD5):c.2383C>T (p.Gln795Ter)

Gene: SETD5 (SET domain containing 5; plus strand). Cytogenetic location: 3p25.3.
Variant type: single nucleotide variant.
Coding change: c.2383C>T on transcript NM_001080517.3 (MANE Select); coding-DNA position 2383, C replaced by T.
Protein change: p.Gln795Ter; replaces glutamine 795 with a stop codon.
Molecular consequence: nonsense.
Genome position (GRCh38, 1-based): chr3:9,453,775, C>T. VCF-style: chr3-9453775-C-T. GRCh37 (hg19) VCF-style: chr3-9495459-C-T.
Other names: c.2089C>T, p.Gln697Ter (NM_001292043.2, NM_001349451.2); short protein forms Q697*, Q795*.
Identifiers: ClinVar variation 1709758 (VCV001709758.2), dbSNP rs1327029855, ClinGen allele CA351703449.